The following is an entry in ClinVar:

ClinVar aggregate classification (germline): Uncertain significance (1 of 4 stars; one submission).

Conditions:
Amyotrophic lateral sclerosis type 1 (ALS1). Also called: AMYOTROPHIC LATERAL SCLEROSIS 1, FAMILIAL. Identifiers: Orphanet 803, MedGen C1862939, MONDO:0007103, OMIM 105400.
Neuronopathy, distal hereditary motor, type 7B. Also called: HMN VIIB; LOWER MOTOR NEURON DISEASE, DYNACTIN TYPE; NEURONOPATHY, DISTAL HEREDITARY MOTOR, AUTOSOMAL DOMINANT 14; NEURONOPATHY, DISTAL HEREDITARY MOTOR, HARDING TYPE VIIB; NEUROPATHY, DISTAL HEREDITARY MOTOR, HARDING TYPE VIIB; NEUROPATHY, DISTAL HEREDITARY MOTOR, WITH VOCAL CORD PARALYSIS, HARDING TYPE VIIB. Identifiers: Orphanet 139589, MedGen C1843315, MONDO:0011879, OMIM 607641.
Perry syndrome. Also called: PARKINSONISM WITH ALVEOLAR HYPOVENTILATION AND MENTAL DEPRESSION. Identifiers: Orphanet 178509, MedGen C1868594, MONDO:0008201, OMIM 168605.

Submission:

Labcorp Genetics (formerly Invitae), Labcorp
Classification: Uncertain significance for Amyotrophic lateral sclerosis type 1; Neuronopathy, distal hereditary motor, type 7B; Perry syndrome. Last evaluated: 2024-06-06. Review status: criteria provided, single submitter. Criteria: Invitae Variant Classification Sherloc (09022015). Collection method: clinical testing. Allele origin: germline.
Comment: This sequence change replaces leucine, which is neutral and non-polar, with phenylalanine, which is neutral and non-polar, at codon 782 of the DCTN1 protein (p.Leu782Phe). This variant is not present in population databases (gnomAD no frequency). This variant has not been reported in the literature in individuals affected with DCTN1-related conditions. Advanced modeling of protein sequence and biophysical properties (such as structural, functional, and spatial information, amino acid conservation, physicochemical variation, residue mobility, and thermodynamic stability) performed at Invitae indicates that this missense variant is not expected to disrupt DCTN1 protein function with a negative predictive value of 80%. In summary, the available evidence is currently insufficient to determine the role of this variant in disease. Therefore, it has been classified as a Variant of Uncertain Significance.

NM_004082.5(DCTN1):c.2344C>T (p.Leu782Phe)

Gene: DCTN1 (dynactin subunit 1; minus strand). Cytogenetic location: 2p13.1.
Variant type: single nucleotide variant.
Coding change: c.2344C>T on transcript NM_004082.5 (MANE Select); coding-DNA position 2344, C replaced by T.
Protein change: p.Leu782Phe; replaces leucine 782 with phenylalanine.
Molecular consequence: missense variant. On other transcripts: non-coding transcript variant (1).
Genome position (GRCh38, 1-based): chr2:74,366,905, G>A on the plus strand (C>T on the coding strand, the complement: DCTN1 is on the minus strand). VCF-style: chr2-74366905-G-A. GRCh37 (hg19) VCF-style: chr2-74594032-G-A.
Other names: c.2233C>T, p.Leu745Phe (NM_001190836.2); c.2323C>T, p.Leu775Phe (NM_001190837.2); c.2293C>T, p.Leu765Phe (NM_001378991.1); c.2275C>T, p.Leu759Phe (NM_001378992.1); c.1942C>T, p.Leu648Phe (NM_023019.4, NM_001135041.3); c.2284C>T, p.Leu762Phe (NM_001135040.3); short protein forms L648F, L745F, L759F, L762F, L765F, L775F, L782F.
Identifiers: ClinVar variation 3762405 (VCV003762405.2).